The following is an entry in ClinVar:

ClinVar aggregate classification (germline): Likely benign. Review status: criteria provided, single submitter (1 of 4 stars). 2 submissions from 2 submitters: Likely benign (1). 1 of the submissions does not count toward it. Last evaluated 2018-07-02.

Conditions:
DNHD1-related disorder. Also called: DNHD1-related condition.

Allele frequency attached by ClinVar (database versions not stated): ExAC 0.00005; TOPMed 0.00048; gnomAD 0.00025 and 0.00022; 1000 Genomes Project 30x 0.00031; gnomAD exomes 0.00021 and 0.00043; 1000 Genomes Project 0.00040.
gnomAD v4.1: 346 of 1,551,706 alleles (0.022%); highest among the groups gnomAD compares: Admixed American, 0.2%; no homozygotes.

Submissions (2):

Labcorp Genetics (formerly Invitae), Labcorp
Classification: Likely benign. Last evaluated: 2018-07-02. Review status: criteria provided, single submitter. Criteria: Invitae Variant Classification Sherloc (09022015). Collection method: clinical testing. Allele origin: germline.

PreventionGenetics, part of Exact Sciences
Classification: Likely benign for DNHD1-related condition. Last evaluated: 2022-04-21. Review status: no assertion criteria provided. Collection method: clinical testing. Allele origin: germline. Not counted in ClinVar's aggregate classification.
Comment: This variant is classified as likely benign based on ACMG/AMP sequence variant interpretation guidelines (Richards et al. 2015 PMID: 25741868, with internal and published modifications).

NM_144666.3(DNHD1):c.7646G>A (p.Arg2549His)

Gene: DNHD1 (dynein heavy chain domain 1; plus strand). Cytogenetic location: 11p15.4.
Variant type: single nucleotide variant.
Coding change: c.7646G>A on transcript NM_144666.3 (MANE Select); coding-DNA position 7646, G replaced by A.
Protein change: p.Arg2549His; replaces arginine 2549 with histidine.
Molecular consequence: missense variant.
Genome position (GRCh38, 1-based): chr11:6,556,941, G>A. VCF-style: chr11-6556941-G-A. GRCh37 (hg19) VCF-style: chr11-6578171-G-A.
Other names: short protein forms R2549H.
Identifiers: ClinVar variation 789481 (VCV000789481.5), dbSNP rs563629513, ClinGen allele CA5856246.